The following is an entry in ClinVar:

ClinVar aggregate classification (germline): Likely benign (1 of 4 stars; one submission).

Conditions:
KCNV2-related disorder. Also called: KCNV2-related condition.

gnomAD v4.1: 35 of 1,614,050 alleles (0.0022%); highest among the groups gnomAD compares: Non-Finnish European, 0.0024%; no homozygotes.

Submission:

PreventionGenetics, part of Exact Sciences
Classification: Likely benign for KCNV2-related condition. Last evaluated: 2024-11-26. Review status: criteria provided, single submitter. Criteria: ACMG Guidelines, 2015. Collection method: clinical testing. Allele origin: germline.
Comment: This variant is classified as likely benign based on ACMG/AMP sequence variant interpretation guidelines (Richards et al. 2015 PMID: 25741868, with internal and published modifications).

NM_133497.4(KCNV2):c.165C>A (p.Ile55=)

Gene: KCNV2 (potassium voltage-gated channel modifier subfamily V member 2; plus strand). Cytogenetic location: 9p24.2.
Variant type: single nucleotide variant.
Coding change: c.165C>A on transcript NM_133497.4 (MANE Select); coding-DNA position 165, C replaced by A.
Protein change: p.Ile55=; no amino-acid change (isoleucine 55 retained).
Molecular consequence: synonymous variant.
Genome position (GRCh38, 1-based): chr9:2,717,904, C>A. VCF-style: chr9-2717904-C-A. GRCh37 (hg19) VCF-style: chr9-2717904-C-A.
Identifiers: ClinVar variation 4977886 (VCV004977886.1).